The following is an entry in ClinVar:

NM_001277115.2(DNAH11):c.2839C>T (p.Gln947Ter)

Gene: DNAH11 (dynein axonemal heavy chain 11; plus strand). Cytogenetic location: 7p15.3.
Variant type: single nucleotide variant.
Coding change: c.2839C>T on transcript NM_001277115.2 (MANE Select); coding-DNA position 2839, C replaced by T.
Protein change: p.Gln947Ter; replaces glutamine 947 with a stop codon.
Molecular consequence: nonsense.
Genome position (GRCh38, 1-based): chr7:21,599,958, C>T. VCF-style: chr7-21599958-C-T. GRCh37 (hg19) VCF-style: chr7-21639576-C-T.
Other names: c.2839C>T, p.Gln947Ter (NM_003777.3); short protein forms Q947*.
Identifiers: ClinVar variation 2745855 (VCV002745855.3), dbSNP rs1554318136, ClinGen allele CA366944523.

ClinVar aggregate classification (germline): Pathogenic (1 of 4 stars; one submission).

Conditions:
Primary ciliary dyskinesia. Also called: Ciliary dyskinesia. Identifiers: Orphanet 244, MedGen C0008780, MONDO:0016575, HP:0012265.

Submission:

Labcorp Genetics (formerly Invitae), Labcorp
Classification: Pathogenic for Primary ciliary dyskinesia. Last evaluated: 2023-07-22. Review status: criteria provided, single submitter. Criteria: Invitae Variant Classification Sherloc (09022015). Collection method: clinical testing. Allele origin: germline.
Comment: For these reasons, this variant has been classified as Pathogenic. This variant has not been reported in the literature in individuals affected with DNAH11-related conditions. This variant is not present in population databases (gnomAD no frequency). This sequence change creates a premature translational stop signal (p.Gln947*) in the DNAH11 gene. It is expected to result in an absent or disrupted protein product. Loss-of-function variants in DNAH11 are known to be pathogenic (PMID: 18022865, 20513915, 22184204).

Literature cited by the submitters: PubMed 18022865; PubMed 20513915; PubMed 22184204.